The following is an entry in ClinVar:

ClinVar aggregate classification (germline): Uncertain significance (1 of 4 stars; one submission).

Conditions:
PTH-related disorder. Also called: PTH-related condition.

Submission:

PreventionGenetics, part of Exact Sciences
Classification: Uncertain significance for PTH-related condition. Last evaluated: 2025-10-06. Review status: criteria provided, single submitter. Criteria: ACMG Guidelines, 2015. Collection method: clinical testing. Allele origin: germline.
Comment: The PTH c.56_66delinsCC variant is predicted to result in an in-frame deletion and insertion. To our knowledge, this variant has not been reported in the literature or in a large population database (gnomAD), indicating this variant is rare. This variant impacts a hydrophobic core sequence of the PTH gene (amino acids 10 – 21) (Jiang et al. 2025. PubMed ID: 40256360). Other missense variants impacting this core sequence have been documented in individuals and families with hypoparathyroidism (p.Cys18Arg and p.Met15Lys) and functional studies on these variants have demonstrated a damaging effect on protein processing (Arnold et al. 1990. PubMed ID: 2212001; Cinque et al. 2017. PubMed ID: 28938448). Although we suspect that the c.56_66delinsCC (p.Phe19_Lys22delinsSer) variant may be pathogenic, at this time, the clinical significance of this variant is uncertain due to the absence of conclusive functional and genetic evidence.

NM_000315.4(PTH):c.56_66delinsCC (p.Phe19_Lys22delinsSer)

Gene: PTH (parathyroid hormone; minus strand). Cytogenetic location: 11p15.3.
Variant type: Indel.
Coding change: c.56_66delinsCC on transcript NM_000315.4 (MANE Select); coding-DNA positions 56 to 66, TTCTTACAAAA replaced by CC.
Protein change: p.Phe19_Lys22delinsSer.
Molecular consequence: inframe indel.
Genome position (GRCh38, 1-based): chr11:13,492,790-13,492,800, TTTTGTAAGAA replaced by GG on the plus strand (TTCTTACAAAA replaced by CC on the coding strand, the reverse complement: PTH is on the minus strand). VCF-style: chr11-13492790-TTTTGTAAGAA-GG. GRCh37 (hg19) VCF-style: chr11-13514337-TTTTGTAAGAA-GG.
Other names: c.152_162delinsCC, p.Phe51_Lys54delinsSer (NM_001316352.2).
Identifiers: ClinVar variation 4992991 (VCV004992991.1).